The following is an entry in ClinVar:

NM_032043.3(BRIP1):c.2271G>C (p.Leu757=)

Gene: BRIP1 (BRCA1 interacting DNA helicase 1; minus strand). Cytogenetic location: 17q23.2.
Variant type: single nucleotide variant.
Coding change: c.2271G>C on transcript NM_032043.3 (MANE Select); coding-DNA position 2271, G replaced by C.
Protein change: p.Leu757=; no amino-acid change (leucine 757 retained).
Molecular consequence: synonymous variant.
Genome position (GRCh38, 1-based): chr17:61,743,121, C>G on the plus strand (G>C on the coding strand, the complement: BRIP1 is on the minus strand). VCF-style: chr17-61743121-C-G. GRCh37 (hg19) VCF-style: chr17-59820482-C-G.
Identifiers: ClinVar variation 3378846 (VCV003378846.1).

ClinVar aggregate classification (germline): Benign (1 of 4 stars; one submission).

Conditions:
Familial cancer of breast. Also called: hereditary breast carcinoma; Hereditary breast cancer; BREAST CANCER, FAMILIAL. Identifiers: Orphanet 227535, MedGen C0346153, MONDO:0016419, OMIM 114480. Disease mechanism: loss of function.

Submission:

Myriad Genetics, Inc.
Classification: Benign for Familial cancer of breast. Last evaluated: 2024-09-04. Review status: criteria provided, single submitter. Criteria: Myriad Autosomal Dominant, Autosomal Recessive and X-Linked Classification Criteria (2023). Collection method: clinical testing. Allele origin: unknown.
Comment: This variant is considered benign. This variant is a silent/synonymous amino acid change and it is not expected to impact splicing.